The following is an entry in ClinVar:

NM_138295.5(PKD1L1):c.2649G>A (p.Leu883=)

Gene: PKD1L1 (polycystin 1 like 1, transient receptor potential channel interacting; minus strand). Cytogenetic location: 7p12.3.
Variant type: single nucleotide variant.
Coding change: c.2649G>A on transcript NM_138295.5 (MANE Select); coding-DNA position 2649, G replaced by A.
Protein change: p.Leu883=; no amino-acid change (leucine 883 retained).
Molecular consequence: synonymous variant.
Genome position (GRCh38, 1-based): chr7:47,890,568, C>T on the plus strand (G>A on the coding strand, the complement: PKD1L1 is on the minus strand). VCF-style: chr7-47890568-C-T. GRCh37 (hg19) VCF-style: chr7-47930166-C-T.
Identifiers: ClinVar variation 3059870 (VCV003059870.2), dbSNP rs144318458, ClinGen allele CA4253672.

ClinVar aggregate classification (germline): Likely benign (0 of 4 stars; one submission).

Conditions:
PKD1L1-related disorder. Also called: PKD1L1-related condition.

Allele frequency attached by ClinVar (database versions not stated): ExAC 0.00003; gnomAD 0.00005; TOPMed 0.00010; ESP Exome Variant Server 0.00015.
gnomAD v4.1: 19 of 1,613,980 alleles (0.0012%); highest among the groups gnomAD compares: African/African-American, 0.023%; no homozygotes.

Submission:

PreventionGenetics, part of Exact Sciences
Classification: Likely benign for PKD1L1-related condition. Last evaluated: 2024-01-30. Review status: no assertion criteria provided. Collection method: clinical testing. Allele origin: germline.
Comment: This variant is classified as likely benign based on ACMG/AMP sequence variant interpretation guidelines (Richards et al. 2015 PMID: 25741868, with internal and published modifications).